The following is an entry in ClinVar:

ClinVar aggregate classification (germline): Uncertain significance (1 of 4 stars; one submission).

Conditions:
Immunodeficiency due to CD25 deficiency. Also called: IL2RA DEFICIENCY; IMMUNODEFICIENCY 41 WITH LYMPHOPROLIFERATION AND AUTOIMMUNITY; CD25 DEFICIENCY. Identifiers: Orphanet 169100, MedGen C1853392, MONDO:0011664, OMIM 606367.

Submission:

Labcorp Genetics (formerly Invitae), Labcorp
Classification: Uncertain significance for Immunodeficiency due to CD25 deficiency. Last evaluated: 2024-12-16. Review status: criteria provided, single submitter. Criteria: Invitae Variant Classification Sherloc (09022015). Collection method: clinical testing. Allele origin: germline.
Comment: This sequence change replaces tyrosine, which is neutral and polar, with cysteine, which is neutral and slightly polar, at codon 64 of the IL2RA protein (p.Tyr64Cys). This variant is not present in population databases (gnomAD no frequency). This variant has not been reported in the literature in individuals affected with IL2RA-related conditions. ClinVar contains an entry for this variant (Variation ID: 1354279). Invitae Evidence Modeling of protein sequence and biophysical properties (such as structural, functional, and spatial information, amino acid conservation, physicochemical variation, residue mobility, and thermodynamic stability) indicates that this missense variant is not expected to disrupt IL2RA protein function with a negative predictive value of 80%. In summary, the available evidence is currently insufficient to determine the role of this variant in disease. Therefore, it has been classified as a Variant of Uncertain Significance.

NM_000417.3(IL2RA):c.191A>G (p.Tyr64Cys)

Gene: IL2RA (interleukin 2 receptor subunit alpha; minus strand). Cytogenetic location: 10p15.1.
Variant type: single nucleotide variant.
Coding change: c.191A>G on transcript NM_000417.3 (MANE Select); coding-DNA position 191, A replaced by G.
Protein change: p.Tyr64Cys; replaces tyrosine 64 with cysteine.
Molecular consequence: missense variant.
Genome position (GRCh38, 1-based): chr10:6,025,899, T>C on the plus strand (A>G on the coding strand, the complement: IL2RA is on the minus strand). VCF-style: chr10-6025899-T-C. GRCh37 (hg19) VCF-style: chr10-6067862-T-C.
Other names: c.191A>G, p.Tyr64Cys (NM_001308242.2, NM_001308243.2); short protein forms Y64C.
Identifiers: ClinVar variation 1354279 (VCV001354279.8), dbSNP rs2132859282, ClinGen allele CA375930308.